The following is an entry in ClinVar:

NM_001297.5(CNGB1):c.3147C>A (p.His1049Gln)

Gene: CNGB1 (cyclic nucleotide gated channel subunit beta 1; minus strand). Cytogenetic location: 16q21.
Variant type: single nucleotide variant.
Coding change: c.3147C>A on transcript NM_001297.5 (MANE Select); coding-DNA position 3147, C replaced by A.
Protein change: p.His1049Gln; replaces histidine 1049 with glutamine.
Molecular consequence: missense variant.
Genome position (GRCh38, 1-based): chr16:57,897,492, G>T on the plus strand (C>A on the coding strand, the complement: CNGB1 is on the minus strand). VCF-style: chr16-57897492-G-T. GRCh37 (hg19) VCF-style: chr16-57931396-G-T.
Other names: c.3129C>A, p.His1043Gln (NM_001286130.2); short protein forms H1043Q, H1049Q.
Identifiers: ClinVar variation 1476218 (VCV001476218.8), dbSNP rs200581517, ClinGen allele CA396066583.

ClinVar aggregate classification (germline): Uncertain significance (1 of 4 stars; one submission).

Submission:

Labcorp Genetics (formerly Invitae), Labcorp
Classification: Uncertain significance. Last evaluated: 2023-04-24. Review status: criteria provided, single submitter. Criteria: Invitae Variant Classification Sherloc (09022015). Collection method: clinical testing. Allele origin: germline.
Comment: In summary, the available evidence is currently insufficient to determine the role of this variant in disease. Therefore, it has been classified as a Variant of Uncertain Significance. Advanced modeling of protein sequence and biophysical properties (such as structural, functional, and spatial information, amino acid conservation, physicochemical variation, residue mobility, and thermodynamic stability) has been performed at Invitae for this missense variant, however the output from this modeling did not meet the statistical confidence thresholds required to predict the impact of this variant on CNGB1 protein function. ClinVar contains an entry for this variant (Variation ID: 1476218). This variant has not been reported in the literature in individuals affected with CNGB1-related conditions. This variant is not present in population databases (gnomAD no frequency). This sequence change replaces histidine, which is basic and polar, with glutamine, which is neutral and polar, at codon 1049 of the CNGB1 protein (p.His1049Gln).